The following is an entry in ClinVar:

NM_001999.4(FBN2):c.2361_2362insAA (p.Arg788fs)

Gene: FBN2 (fibrillin 2; minus strand). Cytogenetic location: 5q23.3.
Variant type: Insertion.
Coding change: c.2361_2362insAA on transcript NM_001999.4 (MANE Select); coding-DNA positions 2361 to 2362, AA inserted.
Protein change: p.Arg788fs; shifts the reading frame from arginine 788.
Molecular consequence: frameshift variant.
Genome position: GRCh38 VCF-style: chr5-128364666-G-GTT. GRCh37 (hg19) VCF-style: chr5-127700359-G-GTT.
Other names: short protein forms R788fs.
Identifiers: ClinVar variation 450687 (VCV000450687.3), dbSNP rs1554063788, ClinGen allele CA658657489.
Genomic context (GRCh38, chr5:128,364,666, plus strand): 5'-AGTTTCTTCCAGAGGCATCTGGTTCATAGCCACTGTTGCAATTACAACGGTAACTACCAC[G>GTT]TAAGTTTTCACAAATCCCATTGGCACATATATCAGGATCCAAAGCACATTCATTGATATC-3'

ClinVar aggregate classification (germline): Uncertain significance (1 of 4 stars; one submission).

Submission:

GeneDx
Classification: Uncertain significance. Last evaluated: 2019-10-04. Review status: criteria provided, single submitter. Criteria: GeneDx Variant Classification Process June 2021. Collection method: clinical testing. Allele origin: germline. Affected: yes.
Comment: Frameshift variant predicted to result in protein truncation or nonsense mediated decay in a gene for which loss-of-function is not a known mechanism of disease; Has not been previously published as pathogenic or benign to our knowledge